The following is an entry in ClinVar:

ClinVar aggregate classification (germline): Uncertain significance. Review status: criteria provided, multiple submitters, no conflicts (2 of 4 stars). 3 submissions from 3 submitters: Uncertain significance (3). Last evaluated 2025-10-13.

Submissions (3):

Labcorp Genetics (formerly Invitae), Labcorp
Classification: Uncertain significance. Last evaluated: 2025-10-13. Review status: criteria provided, single submitter. Criteria: Invitae Variant Classification Sherloc (09022015). Collection method: clinical testing. Allele origin: germline.
Comment: This sequence change replaces threonine, which is neutral and polar, with lysine, which is basic and polar, at codon 624 of the MYO7A protein (p.Thr624Lys). This variant is not present in population databases (gnomAD no frequency). This variant has not been reported in the literature in individuals affected with MYO7A-related conditions. ClinVar contains an entry for this variant (Variation ID: 391801). Invitae Evidence Modeling of protein sequence and biophysical properties (such as structural, functional, and spatial information, amino acid conservation, physicochemical variation, residue mobility, and thermodynamic stability) has been performed for this missense variant. However, the output from this modeling did not meet the statistical confidence thresholds required to predict the impact of this variant on MYO7A protein function. In summary, the available evidence is currently insufficient to determine the role of this variant in disease. Therefore, it has been classified as a Variant of Uncertain Significance.

GeneDx
Classification: Uncertain significance. Last evaluated: 2022-11-17. Review status: criteria provided, single submitter. Criteria: GeneDx Variant Classification Process June 2021. Collection method: clinical testing. Allele origin: germline. Affected: yes.
Comment: Not observed at significant frequency in large population cohorts (gnomAD); In silico analysis supports that this missense variant has a deleterious effect on protein structure/function; Has not been previously published as pathogenic or benign to our knowledge

Blueprint Genetics
Classification: Uncertain significance. Last evaluated: 2022-09-28. Review status: criteria provided, single submitter. Criteria: ACMG Guidelines, 2015. Collection method: clinical testing. Allele origin: germline.

NM_000260.4(MYO7A):c.1871C>A (p.Thr624Lys)

Gene: MYO7A (myosin VIIA; plus strand). Cytogenetic location: 11q13.5.
Variant type: single nucleotide variant.
Coding change: c.1871C>A on transcript NM_000260.4 (MANE Select); coding-DNA position 1871, C replaced by A.
Protein change: p.Thr624Lys; replaces threonine 624 with lysine.
Molecular consequence: missense variant.
Genome position (GRCh38, 1-based): chr11:77,172,821, C>A. VCF-style: chr11-77172821-C-A. GRCh37 (hg19) VCF-style: chr11-76883867-C-A.
Other names: c.1871C>A, p.Thr624Lys (NM_001127180.2); c.1838C>A, p.Thr613Lys (NM_001369365.1); short protein forms T624K, T613K.
Identifiers: ClinVar variation 391801 (VCV000391801.5), dbSNP rs953533173, ClinGen allele CA16606339.